The following is an entry in ClinVar:

NM_152594.3(SPRED1):c.886T>A (p.Cys296Ser)

Gene: SPRED1 (sprouty related EVH1 domain containing 1; plus strand). Cytogenetic location: 15q14.
Variant type: single nucleotide variant.
Coding change: c.886T>A on transcript NM_152594.3 (MANE Select); coding-DNA position 886, T replaced by A.
Protein change: p.Cys296Ser; replaces cysteine 296 with serine.
Molecular consequence: missense variant.
Genome position (GRCh38, 1-based): chr15:38,351,215, T>A. VCF-style: chr15-38351215-T-A. GRCh37 (hg19) VCF-style: chr15-38643416-T-A.
Other names: short protein forms C296S.
Identifiers: ClinVar variation 3234678 (VCV003234678.20), dbSNP rs554327738, ClinGen allele CA391933471.

ClinVar aggregate classification (germline): Uncertain significance (1 of 4 stars; one submission).

Submission:

CeGaT Center for Human Genetics Tuebingen
Classification: Uncertain significance. Last evaluated: 2024-04-01. Review status: criteria provided, single submitter. Criteria: CeGaT Center For Human Genetics Tuebingen Variant Classification Criteria Version 2. Collection method: clinical testing. Allele origin: germline. Affected: yes. Observed: 1 variant allele.
Comment: SPRED1: PM2, BP4